The following is an entry in ClinVar:

NM_005677.4(COLQ):c.944G>A (p.Arg315Gln)

Gene: COLQ (collagen like tail subunit of asymmetric acetylcholinesterase; minus strand). Cytogenetic location: 3p25.1.
Variant type: single nucleotide variant.
Coding change: c.944G>A on transcript NM_005677.4 (MANE Select); coding-DNA position 944, G replaced by A.
Protein change: p.Arg315Gln; replaces arginine 315 with glutamine.
Molecular consequence: missense variant.
Genome position (GRCh38, 1-based): chr3:15,458,196, C>T on the plus strand (G>A on the coding strand, the complement: COLQ is on the minus strand). VCF-style: chr3-15458196-C-T. GRCh37 (hg19) VCF-style: chr3-15499703-C-T.
Other names: c.914G>A, p.Arg305Gln (NM_080538.2); c.842G>A, p.Arg281Gln (NM_080539.4); c.944G>A (NM_005677.3); short protein forms R281Q, R315Q, R305Q.
Identifiers: ClinVar variation 1466044 (VCV001466044.10), dbSNP rs778740405, ClinGen allele CA2275921.
Genomic context (GRCh38, chr3:15,458,196, plus strand): 5'-TGAGAGGTCCTCACGGATAACCACCCCAGACTTCTCCCAGAAAGCCTTACCACAGGAACT[C>T]GCGGGGAACTGGGCCCATACACAGATTCCCCGTAGGAAGGGTTATTCACATTCATAGTGG-3'
Protein context (NP_005668.2, residues 305-325): GESVYGPSSP[Arg315Gln]VPVIFVVNNQ

ClinVar aggregate classification (germline): Uncertain significance. Review status: criteria provided, multiple submitters, no conflicts (2 of 4 stars). 3 submissions from 3 submitters: Uncertain significance (3). Last evaluated 2025-09-26.

Conditions:
Congenital myasthenic syndrome 5. Identifiers: Orphanet 590, MedGen C1864233, MONDO:0011281, OMIM 603034.
Inborn genetic diseases. Identifiers: MedGen C0950123, MeSH D030342.

Allele frequency attached by ClinVar (database versions not stated): ExAC 0.00002; TOPMed 0.00003; gnomAD exomes 0.00005 and 0.00006; gnomAD 0.00006.
gnomAD v4.1: 95 of 1,613,554 alleles (0.0059%); highest among the groups gnomAD compares: Middle Eastern, 0.017%; no homozygotes.

Submissions (3):

Ambry Genetics
Classification: Uncertain significance for Inborn genetic diseases. Last evaluated: 2025-09-26. Review status: criteria provided, single submitter. Criteria: Ambry Variant Classification Scheme 2023. Collection method: clinical testing. Allele origin: germline.

Labcorp Genetics (formerly Invitae), Labcorp
Classification: Uncertain significance for Congenital myasthenic syndrome 5. Last evaluated: 2022-01-27. Review status: criteria provided, single submitter. Criteria: Invitae Variant Classification Sherloc (09022015). Collection method: clinical testing. Allele origin: germline.
Comment: This sequence change replaces arginine, which is basic and polar, with glutamine, which is neutral and polar, at codon 315 of the COLQ protein (p.Arg315Gln). This variant is present in population databases (rs778740405, gnomAD 0.007%). This variant has not been reported in the literature in individuals affected with COLQ-related conditions. Algorithms developed to predict the effect of missense changes on protein structure and function output the following: SIFT: "Deleterious"; PolyPhen-2: "Not Available"; Align-GVGD: "Class C0". The glutamine amino acid residue is found in multiple mammalian species, which suggests that this missense change does not adversely affect protein function. In summary, the available evidence is currently insufficient to determine the role of this variant in disease. Therefore, it has been classified as a Variant of Uncertain Significance.

Revvity Omics, Revvity
Classification: Uncertain significance for Congenital myasthenic syndrome 5. Last evaluated: 2019-03-21. Review status: criteria provided, single submitter. Criteria: ACMG Guidelines, 2015. Collection method: clinical testing. Allele origin: germline.